The following is an entry in ClinVar:

ClinVar aggregate classification (germline): Conflicting classifications of pathogenicity. Review status: criteria provided, conflicting classifications (1 of 4 stars). 2 submissions from 2 submitters: Uncertain significance (1); Likely benign (1). Last evaluated 2024-05-26.

Conditions:
Inborn genetic diseases. Identifiers: MedGen C0950123, MeSH D030342.
Hereditary spastic paraplegia 11. Also called: SPASTIC PARAPLEGIA, AUTOSOMAL RECESSIVE, COMPLICATED, WITH THIN CORPUS CALLOSUM; SPASTIC PARAPLEGIA, AUTOSOMAL RECESSIVE, WITH MENTAL IMPAIRMENT AND THIN CORPUS CALLOSUM; Spastic paraplegia, mental retardation and thin corpus callosum; Nakamura Osame syndrome; Autosomal recessive hereditary spastic paraplegia, mental impairment, and thin corpus callosum; Spastic Paraplegia 11. Identifiers: Orphanet 2822, MedGen C1858479, MONDO:0011445, OMIM 604360.

Allele frequency attached by ClinVar (database versions not stated): gnomAD exomes 0.00001 and 0.00005; gnomAD 0.00005; ExAC 0.00007; TOPMed 0.00010; 1000 Genomes Project 30x 0.00016; 1000 Genomes Project 0.00020; ESP Exome Variant Server 0.00023.
gnomAD v4.1: 20 of 1,614,204 alleles (0.0012%); highest among the groups gnomAD compares: African/African-American, 0.02%; no homozygotes.

Submissions (2):

Labcorp Genetics (formerly Invitae), Labcorp
Classification: Likely benign for Hereditary spastic paraplegia 11. Last evaluated: 2024-05-26. Review status: criteria provided, single submitter. Criteria: Invitae Variant Classification Sherloc (09022015). Collection method: clinical testing. Allele origin: germline.

Ambry Genetics
Classification: Uncertain significance for Inborn genetic diseases. Last evaluated: 2021-09-11. Review status: criteria provided, single submitter. Criteria: Ambry Variant Classification Scheme 2023. Collection method: clinical testing. Allele origin: germline.
Comment: The p.L452F variant (also known as c.1354C>T), located in coding exon 6 of the SPG11 gene, results from a C to T substitution at nucleotide position 1354. The leucine at codon 452 is replaced by phenylalanine, an amino acid with highly similar properties. This amino acid position is conserved. In addition, this alteration is predicted to be deleterious by in silico analysis. Since supporting evidence is limited at this time, the clinical significance of this alteration remains unclear.

NM_025137.4(SPG11):c.1354C>T (p.Leu452Phe)

Gene: SPG11 (SPG11 vesicle trafficking associated, spatacsin; minus strand). Cytogenetic location: 15q21.1.
Variant type: single nucleotide variant.
Coding change: c.1354C>T on transcript NM_025137.4 (MANE Select); coding-DNA position 1354, C replaced by T.
Protein change: p.Leu452Phe; replaces leucine 452 with phenylalanine.
Molecular consequence: missense variant.
Genome position (GRCh38, 1-based): chr15:44,651,593, G>A on the plus strand (C>T on the coding strand, the complement: SPG11 is on the minus strand). VCF-style: chr15-44651593-G-A. GRCh37 (hg19) VCF-style: chr15-44943791-G-A.
Other names: c.1354C>T, p.Leu452Phe (NM_001160227.2); short protein forms L452F.
Identifiers: ClinVar variation 1498139 (VCV001498139.8), dbSNP rs141396952, ClinGen allele CA7535570.